The following is an entry in ClinVar:

ClinVar aggregate classification (germline): Conflicting classifications of pathogenicity. Review status: criteria provided, conflicting classifications (1 of 4 stars). 3 submissions from 3 submitters: Uncertain significance (1); Likely benign (2). Last evaluated 2023-08-04.

Conditions:
Immunodeficiency 35 (IMD35). Also called: Susceptibility to infection due to TYK2 deficiency; HYPER-IgE SYNDROME WITH ATYPICAL MYCOBACTERIOSIS, AUTOSOMAL RECESSIVE; TYK2 DEFICIENCY; HIES WITH ATYPICAL MYCOBACTERIOSIS, AUTOSOMAL RECESSIVE. Identifiers: Orphanet 331226, MedGen C1969086, MONDO:0012682, OMIM 611521.
Inborn genetic diseases. Identifiers: MedGen C0950123, MeSH D030342.

Allele frequency attached by ClinVar (database versions not stated): gnomAD 0.00002; gnomAD exomes 0.00003; ExAC 0.00004; TOPMed 0.00005; ESP Exome Variant Server 0.00008.
gnomAD v4.1: 16 of 1,613,928 alleles (0.00099%); highest among the groups gnomAD compares: Admixed American, 0.0083%; no homozygotes.

Submissions (3):

Labcorp Genetics (formerly Invitae), Labcorp
Classification: Uncertain significance for Immunodeficiency 35. Last evaluated: 2023-08-04. Review status: criteria provided, single submitter. Criteria: Invitae Variant Classification Sherloc (09022015). Collection method: clinical testing. Allele origin: germline.
Comment: This variant is present in population databases (rs369530676, gnomAD 0.02%). In summary, the available evidence is currently insufficient to determine the role of this variant in disease. Therefore, it has been classified as a Variant of Uncertain Significance. Algorithms developed to predict the effect of missense changes on protein structure and function output the following: SIFT: "Not Available"; PolyPhen-2: "Benign"; Align-GVGD: "Not Available". The glutamine amino acid residue is found in multiple mammalian species, which suggests that this missense change does not adversely affect protein function. ClinVar contains an entry for this variant (Variation ID: 623927). This variant has not been reported in the literature in individuals affected with TYK2-related conditions. This sequence change replaces arginine, which is basic and polar, with glutamine, which is neutral and polar, at codon 118 of the TYK2 protein (p.Arg118Gln).

Ambry Genetics
Classification: Likely benign for Inborn genetic diseases. Last evaluated: 2023-05-24. Review status: criteria provided, single submitter. Criteria: Ambry Variant Classification Scheme 2023. Collection method: clinical testing. Allele origin: germline.

CeGaT Center for Human Genetics Tuebingen
Classification: Likely benign. Last evaluated: 2018-07-01. Review status: criteria provided, single submitter. Criteria: CeGaT Center For Human Genetics Tuebingen Variant Classification Criteria Version 2. Collection method: clinical testing. Allele origin: germline. Affected: yes. Observed: 2 variant alleles.

NM_003331.5(TYK2):c.353G>A (p.Arg118Gln)

Gene: TYK2 (tyrosine kinase 2; minus strand). Cytogenetic location: 19p13.2.
Variant type: single nucleotide variant.
Coding change: c.353G>A on transcript NM_003331.5 (MANE Select); coding-DNA position 353, G replaced by A.
Protein change: p.Arg118Gln; replaces arginine 118 with glutamine.
Molecular consequence: missense variant.
Genome position (GRCh38, 1-based): chr19:10,368,167, C>T on the plus strand (G>A on the coding strand, the complement: TYK2 is on the minus strand). VCF-style: chr19-10368167-C-T. GRCh37 (hg19) VCF-style: chr19-10478843-C-T.
Other names: c.353G>A (NM_003331.4); short protein forms R118Q.
Identifiers: ClinVar variation 623927 (VCV000623927.50), dbSNP rs369530676, ClinGen allele CA9193760.